The following is an entry in ClinVar:

NM_021971.4(GMPPB):c.1048G>A (p.Gly350Ser)

Gene: GMPPB (GDP-mannose pyrophosphorylase B; minus strand). Cytogenetic location: 3p21.31.
Variant type: single nucleotide variant.
Coding change: c.1048G>A on transcript NM_021971.4 (MANE Select); coding-DNA position 1048, G replaced by A.
Protein change: p.Gly350Ser; replaces glycine 350 with serine.
Molecular consequence: missense variant.
Genome position (GRCh38, 1-based): chr3:49,721,787, C>T on the plus strand (G>A on the coding strand, the complement: GMPPB is on the minus strand). VCF-style: chr3-49721787-C-T. GRCh37 (hg19) VCF-style: chr3-49759220-C-T.
Other names: c.1129G>A, p.Gly377Ser (NM_013334.4); short protein forms G350S, G377S.
Identifiers: ClinVar variation 288746 (VCV000288746.22), dbSNP rs184127567, ClinGen allele CA2405359.

ClinVar aggregate classification (germline): Conflicting classifications of pathogenicity. Review status: criteria provided, conflicting classifications (1 of 4 stars). 5 submissions from 5 submitters: Uncertain significance (2); Likely benign (2). 1 of the submissions does not count toward it. Last evaluated 2026-02-01.

Conditions:
Muscular dystrophy-dystroglycanopathy (congenital with impaired intellectual development), type B, 14. Also called: Muscular dystrophy-dystroglycanopathy (congenital with intellectual disability), type B14; MUSCULAR DYSTROPHY, CONGENITAL, GMPPB-RELATED; Congenital muscular dystrophy-dystroglycanopathy with mental retardation, type B14. Identifiers: MedGen C3809221, MONDO:0014141, OMIM 615351.
Autosomal recessive limb-girdle muscular dystrophy type 2T. Also called: MUSCULAR DYSTROPHY-DYSTROGLYCANOPATHY, LIMB-GIRDLE, GMPPB-RELATED; MUSCULAR DYSTROPHY, LIMB-GIRDLE, TYPE 2T; Muscular dystrophy-dystroglycanopathy (limb-girdle), type c, 14; Limb-girdle muscular dystrophy-dystroglycanopathy, type C14. Identifiers: Orphanet 363623, MedGen C4518000, MONDO:0014142, OMIM 615352.
Muscular dystrophy-dystroglycanopathy (congenital with brain and eye anomalies), type A14. Also called: Congenital Muscular Dystrophy-Dystroglycanopathy with Brain and Eye Anomalies Type A 14; WALKER-WARBURG SYNDROME OR MUSCLE-EYE-BRAIN DISEASE, GMPPB-RELATED; Muscular dystrophy-dystroglycanopathy (congenital with brain and eye anomalies), type a, 14; Congenital muscular dystrophy-dystroglycanopathy with brain and eye anomalies, type A14. Identifiers: Orphanet 588, MedGen C3809216, MONDO:0014140, OMIM 615350.
GMPPB-related disorder. Also called: GMPPB-related condition; GMPPB-related disorders.

Allele frequency attached by ClinVar (database versions not stated): TOPMed 0.00049; 1000 Genomes Project 0.00080; gnomAD exomes 0.00123 and 0.00034; gnomAD 0.00027 and 0.00022; ExAC 0.00088; 1000 Genomes Project 30x 0.00109.
gnomAD v4.1: 520 of 1,610,778 alleles (0.032%); highest among the groups gnomAD compares: Admixed American, 0.5%; 3 homozygotes.

Submissions (5):

Labcorp Genetics (formerly Invitae), Labcorp
Classification: Likely benign for Autosomal recessive limb-girdle muscular dystrophy type 2T; Muscular dystrophy-dystroglycanopathy (congenital with brain and eye anomalies), type A14; Muscular dystrophy-dystroglycanopathy (congenital with impaired intellectual development), type B, 14. Last evaluated: 2026-02-01. Review status: criteria provided, single submitter. Criteria: Invitae Variant Classification Sherloc (09022015). Collection method: clinical testing. Allele origin: germline.

Blueprint Genetics
Classification: Uncertain significance. Last evaluated: 2024-08-21. Review status: criteria provided, single submitter. Criteria: ACMG Guidelines, 2015. Collection method: clinical testing. Allele origin: germline.

GeneDx
Classification: Likely benign. Last evaluated: 2021-05-12. Review status: criteria provided, single submitter. Criteria: GeneDx Variant Classification Process June 2021. Collection method: clinical testing. Allele origin: germline. Affected: yes.

Eurofins Ntd Llc (ga)
Classification: Uncertain significance. Last evaluated: 2016-06-22. Review status: criteria provided, single submitter. Criteria: EGL Classification Definitions 2015. Collection method: clinical testing. Allele origin: germline. Observed: 1 variant allele, 1 heterozygote.

PreventionGenetics, part of Exact Sciences
Classification: Likely benign for GMPPB-related condition. Last evaluated: 2020-02-25. Review status: no assertion criteria provided. Collection method: clinical testing. Allele origin: germline. Not counted in ClinVar's aggregate classification.
Comment: This variant is classified as likely benign based on ACMG/AMP sequence variant interpretation guidelines (Richards et al. 2015 PMID: 25741868, with internal and published modifications).